The following is an entry in ClinVar:

ClinVar aggregate classification (germline): Benign/Likely benign. Review status: criteria provided, multiple submitters, no conflicts (2 of 4 stars). 4 submissions from 4 submitters: Benign (2); Likely benign (1). 1 of the submissions does not count toward it. Last evaluated 2026-01-25.

Conditions:
VPS53-related disorder. Also called: VPS53-related condition.

Allele frequency attached by ClinVar (database versions not stated): TOPMed 0.00071; 1000 Genomes Project 30x 0.00094; 1000 Genomes Project 0.00120; ESP Exome Variant Server 0.00146; gnomAD exomes 0.00277 and 0.00512; ExAC 0.00438; gnomAD 0.00466 and 0.00489.
gnomAD v4.1: 4,705 of 1,614,100 alleles (0.29%); highest among the groups gnomAD compares: Non-Finnish European, 0.15%; 73 homozygotes.

Submissions (4):

Labcorp Genetics (formerly Invitae), Labcorp
Classification: Benign. Last evaluated: 2026-01-25. Review status: criteria provided, single submitter. Criteria: Invitae Variant Classification Sherloc (09022015). Collection method: clinical testing. Allele origin: germline.

CeGaT Center for Human Genetics Tuebingen
Classification: Likely benign. Last evaluated: 2022-04-01. Review status: criteria provided, single submitter. Criteria: CeGaT Center For Human Genetics Tuebingen Variant Classification Criteria Version 2. Collection method: clinical testing. Allele origin: germline. Affected: yes. Observed: 1 variant allele.
Comment: VPS53: BP4, BP7

GeneDx
Classification: Benign. Last evaluated: 2016-09-29. Review status: criteria provided, single submitter. Criteria: GeneDx Variant Classification (06012015). Collection method: clinical testing. Allele origin: germline. Affected: yes.
Comment: This variant is considered likely benign or benign based on one or more of the following criteria: it is a conservative change, it occurs at a poorly conserved position in the protein, it is predicted to be benign by multiple in silico algorithms, and/or has population frequency not consistent with disease.

PreventionGenetics, part of Exact Sciences
Classification: Benign for VPS53-related condition. Last evaluated: 2019-05-16. Review status: no assertion criteria provided. Collection method: clinical testing. Allele origin: germline. Not counted in ClinVar's aggregate classification.
Comment: This variant is classified as benign based on ACMG/AMP sequence variant interpretation guidelines (Richards et al. 2015 PMID: 25741868, with internal and published modifications).

NM_001128159.3(VPS53):c.2046C>T (p.Leu682=)

Gene: VPS53 (VPS53 subunit of GARP complex; minus strand). Cytogenetic location: 17p13.3.
Variant type: single nucleotide variant.
Coding change: c.2046C>T on transcript NM_001128159.3 (MANE Select); coding-DNA position 2046, C replaced by T.
Protein change: p.Leu682=; no amino-acid change (leucine 682 retained).
Molecular consequence: synonymous variant.
Genome position (GRCh38, 1-based): chr17:532,881, G>A on the plus strand (C>T on the coding strand, the complement: VPS53 is on the minus strand). VCF-style: chr17-532881-G-A. GRCh37 (hg19) VCF-style: chr17-436121-G-A.
Other names: c.2046C>T, p.Leu682= (NM_001366253.2); c.1452C>T, p.Leu484= (NM_001366254.2); c.1959C>T, p.Leu653= (NM_018289.4).
Identifiers: ClinVar variation 385909 (VCV000385909.35), dbSNP rs145601260, ClinGen allele CA8261203.